The following is an entry in ClinVar:

NM_000238.4(KCNH2):c.1694C>T (p.Ala565Val)

Gene: KCNH2 (potassium voltage-gated channel subfamily H member 2; minus strand). Cytogenetic location: 7q36.1.
Variant type: single nucleotide variant.
Coding change: c.1694C>T on transcript NM_000238.4 (MANE Select); coding-DNA position 1694, C replaced by T.
Protein change: p.Ala565Val; replaces alanine 565 with valine.
Molecular consequence: missense variant.
Genome position (GRCh38, 1-based): chr7:150,951,699, G>A on the plus strand (C>T on the coding strand, the complement: KCNH2 is on the minus strand). VCF-style: chr7-150951699-G-A. GRCh37 (hg19) VCF-style: chr7-150648787-G-A.
Other names: p.A565V:GCC>GTC; c.674C>T, p.Ala225Val (NM_001204798.2, NM_172057.3); c.1406C>T, p.Ala469Val (NM_001406753.1, NM_001406756.1); c.1517C>T, p.Ala506Val (NM_001406755.1); c.1394C>T, p.Ala465Val (NM_001406757.1); c.1694C>T, p.Ala565Val (NM_172056.3); short protein forms A225V, A565V, A465V, A506V, A469V.
Identifiers: ClinVar variation 200735 (VCV000200735.6), dbSNP rs794728482, ClinGen allele CA005130.

ClinVar aggregate classification (germline): Likely pathogenic (1 of 4 stars; one submission).

Submission:

GeneDx
Classification: Likely pathogenic. Last evaluated: 2019-10-01. Review status: criteria provided, single submitter. Criteria: GeneDx Variant Classification Process June 2021. Collection method: clinical testing. Allele origin: germline. Affected: yes.
Comment: Has not been previously published as pathogenic or benign to our knowledge; Not observed in large population cohorts (Lek et al., 2016); In silico analysis, which includes protein predictors and evolutionary conservation, supports a deleterious effect